The following is an entry in ClinVar:

ClinVar aggregate classification (germline): Benign/Likely benign. Review status: criteria provided, multiple submitters, no conflicts (2 of 4 stars). 14 submissions from 11 submitters: Benign (11); Likely benign (3). Last evaluated 2026-02-03.

Conditions:
Dilated cardiomyopathy 1G (CMD1G). Identifiers: Orphanet 154, MedGen C1858763, MONDO:0011400, OMIM 604145.
Autosomal recessive limb-girdle muscular dystrophy type 2J (LGMDR10). Also called: Limb-girdle muscular dystrophy, type 2J; MUSCULAR DYSTROPHY, LIMB-GIRDLE, AUTOSOMAL RECESSIVE 10. Identifiers: Orphanet 140922, MedGen C1837342, MONDO:0012127, OMIM 608807.
Early-onset myopathy with fatal cardiomyopathy (CMYO5). Also called: Salih Myopathy; CONGENITAL MYOPATHY 5 WITH CARDIOMYOPATHY. Identifiers: Orphanet 289377, MedGen C2673677, MONDO:0012714, OMIM 611705. Disease mechanism: loss of function.
Myopathy, myofibrillar, 9, with early respiratory failure (MFM9). Also called: Hereditary myopathy with early respiratory failure; Myopathy, distal, with early respiratory failure, autosomal dominant; EDSTROM MYOPATHY; MYOPATHY, PROXIMAL, WITH EARLY RESPIRATORY MUSCLE INVOLVEMENT. Identifiers: Orphanet 178464, Orphanet 34521, MedGen C1863599, MONDO:0011362, OMIM 603689.
Tibial muscular dystrophy (TMD). Also called: Udd Distal Myopathy – Tibial Muscular Dystrophy; Tibial muscular dystrophy, tardive; UDD MYOPATHY. Identifiers: Orphanet 609, MedGen C1838244, MONDO:0010870, OMIM 600334.

Allele frequency attached by ClinVar (database versions not stated): gnomAD exomes 0.00019 and 0.00055; ExAC 0.00060; gnomAD 0.00202 and 0.00215; ESP Exome Variant Server 0.00216; TOPMed 0.00222; 1000 Genomes Project 0.00359; 1000 Genomes Project 30x 0.00406.
gnomAD v4.1: 611 of 1,613,562 alleles (0.038%); highest among the groups gnomAD compares: African/African-American, 0.69%; 5 homozygotes.

Submissions (14):

Labcorp Genetics (formerly Invitae), Labcorp
Classification: Benign for Dilated cardiomyopathy 1G; Autosomal recessive limb-girdle muscular dystrophy type 2J. Last evaluated: 2026-02-03. Review status: criteria provided, single submitter. Criteria: Invitae Variant Classification Sherloc (09022015). Collection method: clinical testing. Allele origin: germline.

Molecular Diagnostic Laboratory for Inherited Cardiovascular Disease, Montreal Heart Institute
Classification: Benign. Last evaluated: 2025-04-09. Review status: criteria provided, single submitter. Criteria: ACMG Guidelines, 2015. Collection method: clinical testing. Allele origin: germline. Affected: no.

Mayo Clinic Laboratories, Mayo Clinic
Classification: Benign. Last evaluated: 2025-03-05. Review status: criteria provided, single submitter. Criteria: ACMG Guidelines, 2015. Collection method: clinical testing. Allele origin: germline. Observed: 5 variant alleles.
Comment: BS1, BS2, BP4, BP7

Blueprint Genetics
Classification: Likely benign. Last evaluated: 2024-10-09. Review status: criteria provided, single submitter. Criteria: ACMG Guidelines, 2015. Collection method: clinical testing. Allele origin: germline.

CeGaT Center for Human Genetics Tuebingen
Classification: Likely benign. Last evaluated: 2024-04-01. Review status: criteria provided, single submitter. Criteria: CeGaT Center For Human Genetics Tuebingen Variant Classification Criteria Version 2. Collection method: clinical testing. Allele origin: germline. Affected: yes. Observed: 2 variant alleles.
Comment: TTN: BP4, BP7

Genome-Nilou Lab
Classification: Benign for Autosomal recessive limb-girdle muscular dystrophy type 2J. Last evaluated: 2021-09-10. Review status: criteria provided, single submitter. Criteria: ACMG Guidelines, 2015. Collection method: clinical testing. Allele origin: germline. Affected: no.

Genome-Nilou Lab
Classification: Benign for Myopathy, myofibrillar, 9, with early respiratory failure. Last evaluated: 2021-09-10. Review status: criteria provided, single submitter. Criteria: ACMG Guidelines, 2015. Collection method: clinical testing. Allele origin: germline. Affected: no.

Genome-Nilou Lab
Classification: Benign for Early-onset myopathy with fatal cardiomyopathy. Last evaluated: 2021-09-10. Review status: criteria provided, single submitter. Criteria: ACMG Guidelines, 2015. Collection method: clinical testing. Allele origin: germline. Affected: no.

Genome-Nilou Lab
Classification: Benign for Tibial muscular dystrophy. Last evaluated: 2021-09-10. Review status: criteria provided, single submitter. Criteria: ACMG Guidelines, 2015. Collection method: clinical testing. Allele origin: germline. Affected: no.

ARUP Laboratories, Molecular Genetics and Genomics, ARUP Laboratories
Classification: Benign. Last evaluated: 2020-10-20. Review status: criteria provided, single submitter. Criteria: ARUP Molecular Germline Variant Investigation Process 2021. Collection method: clinical testing. Allele origin: germline.

Women's Health and Genetics/Laboratory Corporation of America, LabCorp
Classification: Likely benign. Last evaluated: 2019-11-16. Review status: criteria provided, single submitter. Criteria: LabCorp Variant Classification Summary - May 2015. Collection method: clinical testing. Allele origin: germline.

Eurofins Ntd Llc (ga)
Classification: Benign. Last evaluated: 2014-12-16. Review status: criteria provided, single submitter. Criteria: EGL Classification Definitions 2015. Collection method: clinical testing. Allele origin: germline. Observed: 1 variant allele, 1 heterozygote.

GeneDx
Classification: Benign. Last evaluated: 2014-04-20. Review status: criteria provided, single submitter. Criteria: GeneDx Variant Classification (06012015). Collection method: clinical testing. Allele origin: germline. Affected: yes.
Comment: This variant is considered likely benign or benign based on one or more of the following criteria: it is a conservative change, it occurs at a poorly conserved position in the protein, it is predicted to be benign by multiple in silico algorithms, and/or has population frequency not consistent with disease.

Laboratory for Molecular Medicine, Mass General Brigham Personalized Medicine
Classification: Benign. Last evaluated: 2012-07-03. Review status: criteria provided, single submitter. Criteria: LMM Criteria. Collection method: clinical testing. Allele origin: germline. Observed: 4 variant alleles.
Comment: 0.7% (26/3816) of Afr Amer chrom from ESP

NM_001267550.2(TTN):c.32367G>A (p.Lys10789=)

Gene: TTN (titin; minus strand). Cytogenetic location: 2q31.2.
Variant type: single nucleotide variant.
Coding change: c.32367G>A on transcript NM_001267550.2 (MANE Select); coding-DNA position 32367, G replaced by A.
Protein change: p.Lys10789=; no amino-acid change (lysine 10789 retained).
Molecular consequence: synonymous variant. On other transcripts: intron variant (3).
Genome position (GRCh38, 1-based): chr2:178,685,543, C>T on the plus strand (G>A on the coding strand, the complement: TTN is on the minus strand). VCF-style: chr2-178685543-C-T. GRCh37 (hg19) VCF-style: chr2-179550270-C-T.
Other names: p.K10472K:AAG>AAA; p.Lys9545=; c.31416G>A, p.Lys10472= (NM_001256850.1); c.28635G>A, p.Lys9545= (NM_133378.4); c.13283-43226G>A (NM_003319.4); c.13859-43226G>A (NM_133437.4); c.13658-43226G>A (NM_133432.3).
Identifiers: ClinVar variation 46865 (VCV000046865.56), dbSNP rs79232842, ClinGen allele CA283117.
Genomic context (GRCh38, chr2:178,685,543, plus strand): 5'-ACATAGGGATAAAACTAATTAAAGAGTCAGCATACCTTCAGCTGGCTCAGCTTCCACTCT[C>T]TTAGAAATAATGTGCAGCTTTTCTTCCACAACATATTCCTCAGGCTCTTCCATCACTTTA-3'
Protein context (NP_001254479.2, residues 10779-10799): VVEEKLHIIS[Lys10789=]RVEAEPAEVT